The following is an entry in ClinVar:

NM_002184.4(IL6ST):c.368G>T (p.Gly123Val)

Gene: IL6ST (interleukin 6 cytokine family signal transducer; minus strand). Cytogenetic location: 5q11.2.
Variant type: single nucleotide variant.
Coding change: c.368G>T on transcript NM_002184.4 (MANE Select); coding-DNA position 368, G replaced by T.
Protein change: p.Gly123Val; replaces glycine 123 with valine.
Molecular consequence: missense variant. On other transcripts: non-coding transcript variant (2), intron variant (1), 5 prime UTR variant (3).
Genome position (GRCh38, 1-based): chr5:55,969,552, C>A on the plus strand (G>T on the coding strand, the complement: IL6ST is on the minus strand). VCF-style: chr5-55969552-C-A. GRCh37 (hg19) VCF-style: chr5-55265380-C-A.
Other names: c.160+208G>T (NM_001364276.2); c.368G>T, p.Gly123Val (NM_001190981.2, NM_001364275.2, NM_175767.3); c.-425G>T (NM_001364277.2, NM_001364279.2); c.-415G>T (NM_001364278.2); short protein forms G123V.
Identifiers: ClinVar variation 3684084 (VCV003684084.2).

ClinVar aggregate classification (germline): Uncertain significance (1 of 4 stars; one submission).

gnomAD v4.1: 2 of 1,602,054 alleles (0.00012%); highest among the groups gnomAD compares: East Asian, 0.0022%; no homozygotes.

Submission:

Labcorp Genetics (formerly Invitae), Labcorp
Classification: Uncertain significance. Last evaluated: 2024-05-22. Review status: criteria provided, single submitter. Criteria: Invitae Variant Classification Sherloc (09022015). Collection method: clinical testing. Allele origin: germline.
Comment: This sequence change replaces glycine, which is neutral and non-polar, with valine, which is neutral and non-polar, at codon 123 of the IL6ST protein (p.Gly123Val). The frequency data for this variant in the population databases is considered unreliable, as metrics indicate poor data quality at this position in the gnomAD database. This variant has not been reported in the literature in individuals affected with IL6ST-related conditions. An algorithm developed to predict the effect of missense changes on protein structure and function (PolyPhen-2) suggests that this variant is likely to be disruptive. In summary, the available evidence is currently insufficient to determine the role of this variant in disease. Therefore, it has been classified as a Variant of Uncertain Significance.